The following is an entry in ClinVar:

NM_001099274.3(TINF2):c.1092G>A (p.Leu364=)

Gene: TINF2 (TERF1 interacting nuclear factor 2; minus strand). Cytogenetic location: 14q12.
Variant type: single nucleotide variant.
Coding change: c.1092G>A on transcript NM_001099274.3 (MANE Select); coding-DNA position 1092, G replaced by A.
Protein change: p.Leu364=; no amino-acid change (leucine 364 retained).
Molecular consequence: synonymous variant. On other transcripts: 3 prime UTR variant (1).
Genome position (GRCh38, 1-based): chr14:24,240,300, C>T on the plus strand (G>A on the coding strand, the complement: TINF2 is on the minus strand). VCF-style: chr14-24240300-C-T. GRCh37 (hg19) VCF-style: chr14-24709506-C-T.
Other names: p.Leu364=; c.987G>A, p.Leu329= (NM_001363668.2); c.*115G>A (NM_012461.3).
Identifiers: ClinVar variation 312947 (VCV000312947.52), dbSNP rs184422577, ClinGen allele CA7130498.

ClinVar aggregate classification (germline): Benign/Likely benign. Review status: criteria provided, multiple submitters, no conflicts (2 of 4 stars). 13 submissions from 12 submitters: Benign (8); Likely benign (2). 3 of the submissions do not count toward it. Last evaluated 2026-03-01.

Conditions:
Dyskeratosis congenita, autosomal dominant 3. Identifiers: MedGen C3151445, MONDO:0013522, OMIM 613990.
Dyskeratosis congenita. Identifiers: Orphanet 1775, MedGen C0265965, MONDO:0015780.
TINF2-related disorder. Also called: TINF2-related condition.
Revesz syndrome. Also called: DYSKERATOSIS CONGENITA, AUTOSOMAL DOMINANT 5; EXUDATIVE RETINOPATHY WITH BONE MARROW FAILURE. Identifiers: Orphanet 3088, MedGen C1327916, MONDO:0009990, OMIM 268130.

Allele frequency attached by ClinVar (database versions not stated): 1000 Genomes Project 30x 0.00219; 1000 Genomes Project 0.00240; TOPMed 0.00404; gnomAD 0.00410 and 0.00411; gnomAD exomes 0.00464 and 0.00558; ExAC 0.00486; ESP Exome Variant Server 0.00502.

Submissions (13):

CeGaT Center for Human Genetics Tuebingen
Classification: Likely benign. Last evaluated: 2026-03-01. Review status: criteria provided, single submitter. Criteria: CeGaT Center For Human Genetics Tuebingen Variant Classification Criteria Version 2. Collection method: clinical testing. Allele origin: germline. Affected: yes. Observed: 8 variant alleles.
Comment: TINF2: BP4, BP7, BS2

Labcorp Genetics (formerly Invitae), Labcorp
Classification: Benign for Dyskeratosis congenita. Last evaluated: 2026-02-03. Review status: criteria provided, single submitter. Criteria: Invitae Variant Classification Sherloc (09022015). Collection method: clinical testing. Allele origin: germline.

Center for Genomic Medicine, Rigshospitalet, Copenhagen University Hospital
Classification: Likely benign. Last evaluated: 2025-03-04. Review status: criteria provided, single submitter. Criteria: ACMG Guidelines, 2015. Collection method: clinical testing. Allele origin: germline.

ARUP Laboratories, Molecular Genetics and Genomics, ARUP Laboratories
Classification: Benign. Last evaluated: 2025-01-28. Review status: criteria provided, single submitter. Criteria: ARUP Molecular Germline Variant Investigation Process 2024. Collection method: clinical testing. Allele origin: germline.

Mayo Clinic Laboratories, Mayo Clinic
Classification: Benign. Last evaluated: 2019-06-12. Review status: criteria provided, single submitter. Criteria: ACMG Guidelines, 2015. Collection method: clinical testing. Allele origin: germline. Observed: 4 variant alleles.

GeneDx
Classification: Benign. Last evaluated: 2019-05-23. Review status: criteria provided, single submitter. Criteria: GeneDx Variant Classification Process June 2021. Collection method: clinical testing. Allele origin: germline. Affected: yes.

Genetic Services Laboratory, University of Chicago
Classification: Benign. Last evaluated: 2018-09-27. Review status: criteria provided, single submitter. Criteria: ACMG Guidelines, 2015. Collection method: clinical testing. Allele origin: germline. Affected: no.

Illumina Laboratory Services, Illumina
Classification: Benign for Revesz syndrome. Last evaluated: 2018-01-12. Review status: criteria provided, single submitter. Criteria: ICSL Variant Classification Criteria 13 December 2019. Collection method: clinical testing. Allele origin: germline.
Comment: This variant was observed in the ICSL laboratory as part of a predisposition screen in an ostensibly healthy population. It had not been previously curated by ICSL or reported in the Human Gene Mutation Database (HGMD: prior to June 1st, 2018), and was therefore a candidate for classification through an automated scoring system. Utilizing variant allele frequency, disease prevalence and penetrance estimates, and inheritance mode, an automated score was calculated to assess if this variant is too frequent to cause the disease. Based on the score and internal cut-off values, a variant classified as benign is not then subjected to further curation. The score for this variant resulted in a classification of benign for this disease.

Illumina Laboratory Services, Illumina
Classification: Benign for Dyskeratosis congenita, autosomal dominant 3. Last evaluated: 2018-01-12. Review status: criteria provided, single submitter. Criteria: ICSL Variant Classification Criteria 13 December 2019. Collection method: clinical testing. Allele origin: germline.
Comment: the same text as in the submission from Illumina Laboratory Services, Illumina above.

Breakthrough Genomics
Classification: Benign. Review status: criteria provided, single submitter. Criteria: ACMG Guidelines, 2015. Collection method: not provided. Allele origin: germline. Inheritance: Autosomal dominant inheritance. Affected: yes.

PreventionGenetics, part of Exact Sciences
Classification: Benign for TINF2-related condition. Last evaluated: 2019-04-18. Review status: no assertion criteria provided. Collection method: clinical testing. Allele origin: germline. Not counted in ClinVar's aggregate classification.
Comment: This variant is classified as benign based on ACMG/AMP sequence variant interpretation guidelines (Richards et al. 2015 PMID: 25741868, with internal and published modifications).

Clinical Genetics DNA and cytogenetics Diagnostics Lab, Erasmus MC, Erasmus Medical Center
Classification: Likely benign. Review status: no assertion criteria provided. Collection method: clinical testing. Allele origin: germline. Affected: yes. Study: VKGL Data-share Consensus. Not counted in ClinVar's aggregate classification.

Laboratory of Diagnostic Genome Analysis, Leiden University Medical Center (LUMC)
Classification: Likely benign. Review status: no assertion criteria provided. Collection method: clinical testing. Allele origin: germline. Affected: yes. Study: VKGL Data-share Consensus. Not counted in ClinVar's aggregate classification.